The following is an entry in ClinVar:

NM_032578.4(MYPN):c.1318-318T>C

Gene: MYPN (myopalladin; plus strand). Cytogenetic location: 10q21.3.
Variant type: single nucleotide variant.
Coding change: c.1318-318T>C on transcript NM_032578.4 (MANE Select); 318 bases into the intron before coding-DNA position 1318, T replaced by C.
Molecular consequence: intron variant.
Genome position (GRCh38, 1-based): chr10:68,158,168, T>C. VCF-style: chr10-68158168-T-C. GRCh37 (hg19) VCF-style: chr10-69917925-T-C.
Other names: c.1318-318T>C (NM_001256267.2); c.436-318T>C (NM_001256268.2).
Identifiers: ClinVar variation 683655 (VCV000683655.2), dbSNP rs2176104, ClinGen allele CA13222915.
Genomic context (GRCh38, chr10:68,158,168, plus strand): 5'-TGTCACCCCATTGATGGCCAGAATTAATTCAGCTGATCAGGCTGGCTATGCGGGTGCCCT[T>C]TTTCTCCCTCATTGTTTCCATGTGCGTCCCTCCTGAAGCTGTGCGCTCAGTGGAAGAAGA-3'

ClinVar aggregate classification (germline): Benign. Review status: criteria provided, multiple submitters, no conflicts (2 of 4 stars). 2 submissions from 2 submitters: Benign (2). Last evaluated 2018-06-18.

Allele frequency attached by ClinVar (database versions not stated): 1000 Genomes Project 0.67911; 1000 Genomes Project 30x 0.69019; gnomAD exomes 0.74051; TOPMed 0.76772; gnomAD 0.76897 and 0.78023.
gnomAD v4.1: 210,770 of 278,768 alleles (76%); highest among the groups gnomAD compares: African/African-American, 86%; 81,537 homozygotes.

Submissions (2):

GeneDx
Classification: Benign. Last evaluated: 2018-06-18. Review status: criteria provided, single submitter. Criteria: GeneDx Variant Classification (06012015). Collection method: clinical testing. Allele origin: germline. Affected: yes.
Comment: This variant is considered likely benign or benign based on one or more of the following criteria: it is a conservative change, it occurs at a poorly conserved position in the protein, it is predicted to be benign by multiple in silico algorithms, and/or has population frequency not consistent with disease.

Breakthrough Genomics
Classification: Benign. Review status: criteria provided, single submitter. Criteria: ACMG Guidelines, 2015. Collection method: not provided. Allele origin: germline. Inheritance: Autosomal recessive inheritance. Affected: yes.